The following is an entry in ClinVar:

NM_012179.4(FBXO7):c.917G>A (p.Arg306His)

Gene: FBXO7 (F-box protein 7; plus strand). Cytogenetic location: 22q12.3.
Variant type: single nucleotide variant.
Coding change: c.917G>A on transcript NM_012179.4 (MANE Select); coding-DNA position 917, G replaced by A.
Protein change: p.Arg306His; replaces arginine 306 with histidine.
Molecular consequence: missense variant.
Genome position (GRCh38, 1-based): chr22:32,491,131, G>A. VCF-style: chr22-32491131-G-A. GRCh37 (hg19) VCF-style: chr22-32887118-G-A.
Other names: c.680G>A, p.Arg227His (NM_001033024.2); c.575G>A, p.Arg192His (NM_001257990.2); short protein forms R227H, R306H, R192H.
Identifiers: ClinVar variation 1484666 (VCV001484666.6), dbSNP rs771599282, ClinGen allele CA10201578.

ClinVar aggregate classification (germline): Uncertain significance. Review status: criteria provided, multiple submitters, no conflicts (2 of 4 stars). 2 submissions from 2 submitters: Uncertain significance (2). Last evaluated 2022-02-05.

Conditions:
Parkinsonian-pyramidal syndrome. Also called: PALLIDOPYRAMIDAL SYNDROME; PARKINSON DISEASE 15, AUTOSOMAL RECESSIVE; PARKINSON DISEASE 15, AUTOSOMAL RECESSIVE EARLY-ONSET. Identifiers: Orphanet 171695, MedGen C1850100, MONDO:0009830, OMIM 260300.

Allele frequency attached by ClinVar (database versions not stated): ExAC 0.00004; TOPMed 0.00005; gnomAD 0.00007 and 0.00008.

Submissions (2):

Labcorp Genetics (formerly Invitae), Labcorp
Classification: Uncertain significance for Parkinsonian-pyramidal syndrome. Last evaluated: 2022-02-05. Review status: criteria provided, single submitter. Criteria: Invitae Variant Classification Sherloc (09022015). Collection method: clinical testing. Allele origin: germline.
Comment: This sequence change replaces arginine, which is basic and polar, with histidine, which is basic and polar, at codon 306 of the FBXO7 protein (p.Arg306His). This variant is present in population databases (rs771599282, gnomAD 0.009%). This variant has not been reported in the literature in individuals affected with FBXO7-related conditions. Algorithms developed to predict the effect of missense changes on protein structure and function are either unavailable or do not agree on the potential impact of this missense change (SIFT: "Tolerated"; PolyPhen-2: "Possibly Damaging"; Align-GVGD: "Class C0"). In summary, the available evidence is currently insufficient to determine the role of this variant in disease. Therefore, it has been classified as a Variant of Uncertain Significance.

Breakthrough Genomics
Classification: Uncertain significance. Review status: criteria provided, single submitter. Criteria: ACMG Guidelines, 2015. Collection method: not provided. Allele origin: germline. Inheritance: Autosomal dominant inheritance. Affected: yes.